The following is an entry in ClinVar:

ClinVar aggregate classification (germline): Likely pathogenic (1 of 4 stars; one submission).

Conditions:
Propionic acidemia (PROP). Also called: GLYCINEMIA, KETOTIC; HYPERGLYCINEMIA WITH KETOACIDOSIS AND LEUKOPENIA; KETOTIC HYPERGLYCINEMIA. Identifiers: Orphanet 35, MedGen C0268579, MONDO:0011628, OMIM 606054, HP:0003571.

Submission:

Labcorp Genetics (formerly Invitae), Labcorp
Classification: Likely pathogenic for Propionic acidemia. Last evaluated: 2022-11-01. Review status: criteria provided, single submitter. Criteria: Invitae Variant Classification Sherloc (09022015). Collection method: clinical testing. Allele origin: germline.
Comment: In summary, the currently available evidence indicates that the variant is pathogenic, but additional data are needed to prove that conclusively. Therefore, this variant has been classified as Likely Pathogenic. Algorithms developed to predict the effect of sequence changes on RNA splicing suggest that this variant may disrupt the consensus splice site. Disruption of this splice site has been observed in individual(s) with propionic acidemia (PMID: 31916709). This variant is not present in population databases (gnomAD no frequency). This sequence change affects an acceptor splice site in intron 16 of the PCCA gene. It is expected to disrupt RNA splicing. Variants that disrupt the donor or acceptor splice site typically lead to a loss of protein function (PMID: 16199547), and loss-of-function variants in PCCA are known to be pathogenic (PMID: 15464417).

Literature cited by the submitters: PubMed 31916709; PubMed 16199547; PubMed 15464417.

NM_000282.4(PCCA):c.1430-2A>T

Gene: PCCA (propionyl-CoA carboxylase subunit alpha; plus strand). Cytogenetic location: 13q32.3.
Variant type: single nucleotide variant.
Coding change: c.1430-2A>T on transcript NM_000282.4 (MANE Select); the canonical splice acceptor site of the intron before coding-DNA position 1430, A replaced by T.
Molecular consequence: splice acceptor variant.
Genome position (GRCh38, 1-based): chr13:100,330,559, A>T. VCF-style: chr13-100330559-A-T. GRCh37 (hg19) VCF-style: chr13-100982813-A-T.
Other names: c.1430-2A>T (NM_001178004.2, NM_001352605.2, NM_001352609.2); c.1286-2A>T (NM_001352606.2); c.485-2A>T (NM_001352610.2, NM_001352611.2); c.341-2A>T (NM_001352612.2); c.1352-2A>T (NM_001127692.3, NM_001352607.2); c.1208-2A>T (NM_001352608.2).
Identifiers: ClinVar variation 2811112 (VCV002811112.3), dbSNP rs2548248522, ClinGen allele CA388696040.